The following is an entry in ClinVar:

ClinVar aggregate classification (germline): Uncertain significance (1 of 4 stars; one submission).

Allele frequency attached by ClinVar (database versions not stated): TOPMed 0.00018; gnomAD 0.00019; 1000 Genomes Project 0.00020; ESP Exome Variant Server 0.00023; ExAC 0.00028; gnomAD exomes 0.00028; 1000 Genomes Project 30x 0.00031.

Submission:

Labcorp Genetics (formerly Invitae), Labcorp
Classification: Uncertain significance. Last evaluated: 2022-05-31. Review status: criteria provided, single submitter. Criteria: Invitae Variant Classification Sherloc (09022015). Collection method: clinical testing. Allele origin: germline.
Comment: This sequence change replaces arginine, which is basic and polar, with lysine, which is basic and polar, at codon 83 of the ISCA1 protein (p.Arg83Lys). This variant is present in population databases (rs140944675, gnomAD 0.04%). This variant has not been reported in the literature in individuals affected with ISCA1-related conditions. Algorithms developed to predict the effect of missense changes on protein structure and function (SIFT, PolyPhen-2, Align-GVGD) all suggest that this variant is likely to be tolerated. In summary, the available evidence is currently insufficient to determine the role of this variant in disease. Therefore, it has been classified as a Variant of Uncertain Significance.

NM_030940.4(ISCA1):c.248G>A (p.Arg83Lys)

Gene: ISCA1 (iron-sulfur cluster assembly 1; minus strand). Cytogenetic location: 9q21.33.
Variant type: single nucleotide variant.
Coding change: c.248G>A on transcript NM_030940.4 (MANE Select); coding-DNA position 248, G replaced by A.
Protein change: p.Arg83Lys; replaces arginine 83 with lysine.
Molecular consequence: missense variant.
Genome position (GRCh38, 1-based): chr9:86,266,185, C>T on the plus strand (G>A on the coding strand, the complement: ISCA1 is on the minus strand). VCF-style: chr9-86266185-C-T. GRCh37 (hg19) VCF-style: chr9-88881100-C-T.
Other names: short protein forms R83K.
Identifiers: ClinVar variation 2163088 (VCV002163088.1), dbSNP rs140944675, ClinGen allele CA5108232.